The following is an entry in ClinVar:

NM_001329943.3(KIAA0586):c.1160A>G (p.Asn387Ser)

Gene: KIAA0586 (KIAA0586; plus strand). Cytogenetic location: 14q23.1.
Variant type: single nucleotide variant.
Coding change: c.1160A>G on transcript NM_001329943.3 (MANE Select); coding-DNA position 1160, A replaced by G.
Protein change: p.Asn387Ser; replaces asparagine 387 with serine.
Molecular consequence: missense variant.
Genome position (GRCh38, 1-based): chr14:58,453,380, A>G. VCF-style: chr14-58453380-A-G. GRCh37 (hg19) VCF-style: chr14-58920098-A-G.
Other names: c.1319A>G, p.Asn440Ser (NM_001244189.2); c.1115A>G, p.Asn372Ser (NM_001244190.2); c.905A>G, p.Asn302Ser (NM_001244191.2, NM_001329945.2, NM_001364700.1 and 1 more transcripts); c.1028A>G, p.Asn343Ser (NM_001244192.2); c.740A>G, p.Asn247Ser (NM_001244193.2); c.1160A>G, p.Asn387Ser (NM_001329944.2, NM_001329946.2, NM_001329947.2 and 1 more transcripts); short protein forms N387S, N302S, N372S, N247S, N440S, N343S.
Identifiers: ClinVar variation 1367790 (VCV001367790.4), dbSNP rs1168640996, ClinGen allele CA389866692.

ClinVar aggregate classification (germline): Uncertain significance (1 of 4 stars; one submission).

Conditions:
Short-rib thoracic dysplasia 14 with polydactyly (SRTD14). Identifiers: Orphanet 397715, MedGen C4225286, MONDO:0014688, OMIM 616546.
Joubert syndrome 23 (JBTS23). Identifiers: Orphanet 475, MedGen C4084822, MONDO:0014664, OMIM 616490.

Allele frequency attached by ClinVar (database versions not stated): gnomAD exomes 0.00001 and 0.00002; gnomAD 0.00003.
gnomAD v4.1: 27 of 1,407,072 alleles (0.0019%); highest among the groups gnomAD compares: African/African-American, 0.0015%; no homozygotes.

Submission:

Labcorp Genetics (formerly Invitae), Labcorp
Classification: Uncertain significance for Joubert syndrome 23; Short-rib thoracic dysplasia 14 with polydactyly. Last evaluated: 2022-05-28. Review status: criteria provided, single submitter. Criteria: Invitae Variant Classification Sherloc (09022015). Collection method: clinical testing. Allele origin: germline.
Comment: This variant is present in population databases (no rsID available, gnomAD 0.005%). In summary, the available evidence is currently insufficient to determine the role of this variant in disease. Therefore, it has been classified as a Variant of Uncertain Significance. Algorithms developed to predict the effect of missense changes on protein structure and function (SIFT, PolyPhen-2, Align-GVGD) all suggest that this variant is likely to be tolerated. ClinVar contains an entry for this variant (Variation ID: 1367790). This variant has not been reported in the literature in individuals affected with KIAA0586-related conditions. This sequence change replaces asparagine, which is neutral and polar, with serine, which is neutral and polar, at codon 440 of the KIAA0586 protein (p.Asn440Ser).